The following is an entry in ClinVar:

NM_001165963.4(SCN1A):c.3176A>T (p.Asp1059Val)

Genes: SCN1A (sodium voltage-gated channel alpha subunit 1; minus strand), LOC102724058 (uncharacterized LOC102724058; plus strand). Cytogenetic location: 2q24.3.
Variant type: single nucleotide variant.
Coding change: c.3176A>T on transcript NM_001165963.4 (MANE Select); coding-DNA position 3176, A replaced by T.
Protein change: p.Asp1059Val; replaces aspartic acid 1059 with valine.
Molecular consequence: missense variant. On other transcripts: non-coding transcript variant (2).
Genome position (GRCh38, 1-based): chr2:166,036,301, T>A on the plus strand (A>T on the coding strand, the complement: SCN1A is on the minus strand). VCF-style: chr2-166036301-T-A. GRCh37 (hg19) VCF-style: chr2-166892811-T-A.
Other names: c.3092A>T, p.Asp1031Val (NM_001165964.3, NM_001353957.2, NM_001353958.2); c.3176A>T, p.Asp1059Val (NM_001202435.3, NM_001353948.2); c.3143A>T, p.Asp1048Val (NM_001353949.2, NM_001353950.2, NM_001353951.2 and 2 more transcripts); c.3140A>T, p.Asp1047Val (NM_001353954.2, NM_001353955.2); c.3089A>T, p.Asp1030Val (NM_001353960.2); c.734A>T, p.Asp245Val (NM_001353961.2); c.3176A>T (NM_001165963.3); short protein forms D1048V, D1059V, D1030V, D1047V, D245V, D1031V.
Identifiers: ClinVar variation 194616 (VCV000194616.21), dbSNP rs779306054, ClinGen allele CA240690.
Genomic context (GRCh38, chr2:166,036,301, plus strand): 5'-ACATCTTTAAGATAGTCAAGATCTTTCCCAATTTCTGCTGTATGATTGGACATACAACTG[T>A]CTTTCTTGTTGTTTAGATCATCAAGTGGTTTAATTTCATCTAAAATCTTTTGTTTCCTAA-3'
Protein context (NP_001159435.1, residues 1049-1069): KPLDDLNNKK[Asp1059Val]SCMSNHTAEI

ClinVar aggregate classification (germline): Conflicting classifications of pathogenicity. Review status: criteria provided, conflicting classifications (1 of 4 stars). 4 submissions from 4 submitters: Uncertain significance (2); Likely benign (2). Last evaluated 2025-01-30.

Conditions:
Early-infantile DEE. Also called: Early infantile epileptic encephalopathy; Ohtahara syndrome; Early infantile epileptic encephalopathy with suppression bursts. Identifiers: Orphanet 1934, MedGen C0393706, MONDO:0800491.

Allele frequency attached by ClinVar (database versions not stated): gnomAD 0.00001; gnomAD exomes 0.00001 and 0.00006; ExAC 0.00002; TOPMed 0.00002.
gnomAD v4.1: 19 of 1,613,712 alleles (0.0012%); highest among the groups gnomAD compares: East Asian, 0.029%; no homozygotes.

Submissions (4):

Labcorp Genetics (formerly Invitae), Labcorp
Classification: Likely benign for Early-infantile DEE. Last evaluated: 2025-01-30. Review status: criteria provided, single submitter. Criteria: Invitae Variant Classification Sherloc (09022015). Collection method: clinical testing. Allele origin: germline.

Revvity Omics, Revvity
Classification: Uncertain significance. Last evaluated: 2022-10-21. Review status: criteria provided, single submitter. Criteria: ACMG Guidelines, 2015. Collection method: clinical testing. Allele origin: germline.

GeneDx
Classification: Likely benign. Last evaluated: 2021-04-09. Review status: criteria provided, single submitter. Criteria: GeneDx Variant Classification Process June 2021. Collection method: clinical testing. Allele origin: germline. Affected: yes.
Comment: Missense variants in this gene are often considered pathogenic (Stenson et al., 2014); In silico analysis supports that this missense variant has a deleterious effect on protein structure/function; This variant is associated with the following publications: (PMID: 32508047)

Eurofins Ntd Llc (ga)
Classification: Uncertain significance. Last evaluated: 2014-09-13. Review status: criteria provided, single submitter. Criteria: EGL Classification Definitions 2015. Collection method: clinical testing. Allele origin: germline. Observed: 1 variant allele, 1 heterozygote.